The following is an entry in ClinVar:

NM_001127671.2(LIFR):c.2041A>G (p.Ser681Gly)

Gene: LIFR (LIF receptor subunit alpha; minus strand). Cytogenetic location: 5p13.1.
Variant type: single nucleotide variant.
Coding change: c.2041A>G on transcript NM_001127671.2 (MANE Select); coding-DNA position 2041, A replaced by G.
Protein change: p.Ser681Gly; replaces serine 681 with glycine.
Molecular consequence: missense variant.
Genome position (GRCh38, 1-based): chr5:38,493,630, T>C on the plus strand (A>G on the coding strand, the complement: LIFR is on the minus strand). VCF-style: chr5-38493630-T-C. GRCh37 (hg19) VCF-style: chr5-38493732-T-C.
Other names: c.2041A>G, p.Ser681Gly (NM_001364297.2, NM_001364298.2, NM_002310.6); short protein forms S681G.
Identifiers: ClinVar variation 1422527 (VCV001422527.5), dbSNP rs973820530, ClinGen allele CA117148621.

ClinVar aggregate classification (germline): Uncertain significance (1 of 4 stars; one submission).

Allele frequency attached by ClinVar (database versions not stated): gnomAD exomes below 0.00001.
gnomAD v4.1: 2 of 1,614,162 alleles (0.00012%); highest among the groups gnomAD compares: Admixed American, 0.0017%; no homozygotes.

Submission:

Labcorp Genetics (formerly Invitae), Labcorp
Classification: Uncertain significance. Last evaluated: 2022-07-19. Review status: criteria provided, single submitter. Criteria: Invitae Variant Classification Sherloc (09022015). Collection method: clinical testing. Allele origin: germline.
Comment: In summary, the available evidence is currently insufficient to determine the role of this variant in disease. Therefore, it has been classified as a Variant of Uncertain Significance. Algorithms developed to predict the effect of missense changes on protein structure and function (SIFT, PolyPhen-2, Align-GVGD) all suggest that this variant is likely to be tolerated. ClinVar contains an entry for this variant (Variation ID: 1422527). This variant has not been reported in the literature in individuals affected with LIFR-related conditions. This variant is not present in population databases (gnomAD no frequency). This sequence change replaces serine, which is neutral and polar, with glycine, which is neutral and non-polar, at codon 681 of the LIFR protein (p.Ser681Gly).